The following is an entry in ClinVar:

ClinVar aggregate classification (germline): Benign/Likely benign. Review status: criteria provided, multiple submitters, no conflicts (2 of 4 stars). 6 submissions from 6 submitters: Benign (3); Likely benign (2). 1 of the submissions does not count toward it. Last evaluated 2026-01-29.

Conditions:
PALLD-related disorder. Also called: PALLD-related condition.
Pancreatic adenocarcinoma. Identifiers: MedGen C0281361, MONDO:0006047, HP:0006725.
Pancreatic cancer, susceptibility to, 1. Identifiers: Orphanet 1333, MedGen C1847351, MONDO:0011739, OMIM 606856.

Allele frequency attached by ClinVar (database versions not stated): 1000 Genomes Project 0.00140; gnomAD exomes 0.00273 and 0.00634; gnomAD 0.00538 and 0.00564; ExAC 0.00540; TOPMed 0.00084; 1000 Genomes Project 30x 0.00109; ESP Exome Variant Server 0.00123.
gnomAD v4.1: 4,886 of 1,614,102 alleles (0.3%); highest among the groups gnomAD compares: East Asian, 0.23%; 97 homozygotes.

Submissions (6):

Labcorp Genetics (formerly Invitae), Labcorp
Classification: Benign for Pancreatic adenocarcinoma. Last evaluated: 2026-01-29. Review status: criteria provided, single submitter. Criteria: Invitae Variant Classification Sherloc (09022015). Collection method: clinical testing. Allele origin: germline.

CeGaT Center for Human Genetics Tuebingen
Classification: Benign. Last evaluated: 2022-03-01. Review status: criteria provided, single submitter. Criteria: CeGaT Center For Human Genetics Tuebingen Variant Classification Criteria Version 2. Collection method: clinical testing. Allele origin: germline. Affected: yes. Observed: 1 variant allele.
Comment: PALLD: BP4, BP7, BS1, BS2

Ambry Genetics
Classification: Likely benign. Last evaluated: 2022-02-12. Review status: criteria provided, single submitter. Criteria: Ambry Variant Classification Scheme 2023. Collection method: clinical testing. Allele origin: germline.

Illumina Laboratory Services, Illumina
Classification: Benign for Pancreatic cancer, susceptibility to, 1. Last evaluated: 2018-01-12. Review status: criteria provided, single submitter. Criteria: ICSL Variant Classification Criteria 13 December 2019. Collection method: clinical testing. Allele origin: germline.
Comment: This variant was observed in the ICSL laboratory as part of a predisposition screen in an ostensibly healthy population. It had not been previously curated by ICSL or reported in the Human Gene Mutation Database (HGMD: prior to June 1st, 2018), and was therefore a candidate for classification through an automated scoring system. Utilizing variant allele frequency, disease prevalence and penetrance estimates, and inheritance mode, an automated score was calculated to assess if this variant is too frequent to cause the disease. Based on the score and internal cut-off values, a variant classified as benign is not then subjected to further curation. The score for this variant resulted in a classification of benign for this disease.

Genetic Services Laboratory, University of Chicago
Classification: Likely benign. Last evaluated: 2015-08-02. Review status: criteria provided, single submitter. Criteria: ACMG Guidelines, 2015. Collection method: clinical testing. Allele origin: germline.

PreventionGenetics, part of Exact Sciences
Classification: Benign for PALLD-related condition. Last evaluated: 2019-08-12. Review status: no assertion criteria provided. Collection method: clinical testing. Allele origin: germline. Not counted in ClinVar's aggregate classification.
Comment: This variant is classified as benign based on ACMG/AMP sequence variant interpretation guidelines (Richards et al. 2015 PMID: 25741868, with internal and published modifications).

NM_001166108.2(PALLD):c.3297T>C (p.Tyr1099=)

Genes: CBR4 (carbonyl reductase 4; minus strand), PALLD (palladin, cytoskeletal associated protein; plus strand). Cytogenetic location: 4q32.3.
Variant type: single nucleotide variant.
Coding change: c.3297T>C on transcript NM_001166108.2 (MANE Select); coding-DNA position 3297, T replaced by C.
Protein change: p.Tyr1099=; no amino-acid change (tyrosine 1099 retained).
Molecular consequence: synonymous variant.
Genome position (GRCh38, 1-based): chr4:168,925,017, T>C. VCF-style: chr4-168925017-T-C. GRCh37 (hg19) VCF-style: chr4-169846168-T-C.
Other names: c.2100T>C, p.Tyr700= (NM_001166109.2); c.1785T>C, p.Tyr595= (NM_001166110.2); c.1125T>C, p.Tyr375= (NM_001367567.1, NM_001367569.1); c.1176T>C, p.Tyr392= (NM_001367568.1, NM_001367570.1); c.3246T>C, p.Tyr1082= (NM_016081.4).
Identifiers: ClinVar variation 136000 (VCV000136000.54), dbSNP rs114593924, ClinGen allele CA208298.